The following is an entry in ClinVar:

NM_006019.4(TCIRG1):c.2054C>G (p.Ser685Cys)

Gene: TCIRG1 (T cell immune regulator 1, ATPase H+ transporting V0 subunit a3; plus strand). Cytogenetic location: 11q13.2.
Variant type: single nucleotide variant.
Coding change: c.2054C>G on transcript NM_006019.4 (MANE Select); coding-DNA position 2054, C replaced by G.
Protein change: p.Ser685Cys; replaces serine 685 with cysteine.
Molecular consequence: missense variant.
Genome position (GRCh38, 1-based): chr11:68,050,002, C>G. VCF-style: chr11-68050002-C-G. GRCh37 (hg19) VCF-style: chr11-67817469-C-G.
Other names: c.1160C>G, p.Ser387Cys (NM_001351059.2); c.1406C>G, p.Ser469Cys (NM_006053.4); c.2054C>G (NM_006019.3); short protein forms S387C, S685C, S469C.
Identifiers: ClinVar variation 2172045 (VCV002172045.4), dbSNP rs769744202, ClinGen allele CA6147376.

ClinVar aggregate classification (germline): Uncertain significance. Review status: criteria provided, multiple submitters, no conflicts (2 of 4 stars). 2 submissions from 2 submitters: Uncertain significance (2). Last evaluated 2025-12-10.

Conditions:
Inborn genetic diseases. Identifiers: MedGen C0950123, MeSH D030342.

Allele frequency attached by ClinVar (database versions not stated): ExAC 0.00001; gnomAD 0.00002; TOPMed 0.00002.
gnomAD v4.1: 6 of 1,613,094 alleles (0.00037%); highest among the groups gnomAD compares: African/African-American, 0.008%; no homozygotes.

Submissions (2):

Ambry Genetics
Classification: Uncertain significance for Inborn genetic diseases. Last evaluated: 2025-12-10. Review status: criteria provided, single submitter. Criteria: Ambry Variant Classification Scheme 2023. Collection method: clinical testing. Allele origin: germline.

Labcorp Genetics (formerly Invitae), Labcorp
Classification: Uncertain significance. Last evaluated: 2025-09-21. Review status: criteria provided, single submitter. Criteria: Invitae Variant Classification Sherloc (09022015). Collection method: clinical testing. Allele origin: germline.
Comment: This sequence change replaces serine, which is neutral and polar, with cysteine, which is neutral and slightly polar, at codon 685 of the TCIRG1 protein (p.Ser685Cys). This variant is present in population databases (rs769744202, gnomAD 0.01%). This variant has not been reported in the literature in individuals affected with TCIRG1-related conditions. ClinVar contains an entry for this variant (Variation ID: 2172045). An algorithm developed to predict the effect of missense changes on protein structure and function outputs the following: PolyPhen-2: "Benign". The cysteine amino acid residue is found in multiple mammalian species, which suggests that this missense change does not adversely affect protein function. In summary, the available evidence is currently insufficient to determine the role of this variant in disease. Therefore, it has been classified as a Variant of Uncertain Significance.